The following is an entry in ClinVar:

ClinVar aggregate classification (germline): Pathogenic (1 of 4 stars; one submission).

Submission:

GeneDx
Classification: Pathogenic. Last evaluated: 2018-02-16. Review status: criteria provided, single submitter. Criteria: GeneDx Variant Classification (06012015). Collection method: clinical testing. Allele origin: germline. Affected: yes.
Comment: This deletion of 10 nucleotides in APC is denoted c.7946_7955del10 at the cDNA level and p.Pro2649LeufsX8 (P2649LfsX8) at the protein level. The surrounding sequence is GCAC[del10]TAAA. The deletion causes a frameshift which changes a Proline to a Leucine at codon 2649, and creates a premature stop codon at position 8 of the new reading frame. Although this variant has not, to our knowledge, been reported in the literature, it is predicted to cause loss of normal protein function through protein truncation. We consider this variant to be pathogenic.

NM_000038.6(APC):c.7946_7955del (p.Pro2649fs)

Gene: APC (APC regulator of WNT signaling pathway; plus strand). Cytogenetic location: 5q22.2.
Variant type: Deletion.
Coding change: c.7946_7955del on transcript NM_000038.6 (MANE Select); coding-DNA positions 7946 to 7955, 10 bases deleted (CTGCTGTTTC; older notation c.7946_7955delCTGCTGTTTC).
Protein change: p.Pro2649fs; shifts the reading frame from proline 2649.
Molecular consequence: frameshift variant.
Genome position (GRCh38, 1-based): chr5:112,843,540-112,843,549, CTGCTGTTTC deleted; deleting any 10 consecutive bases within chr5:112,843,539-112,843,549 gives the same sequence; the c. name uses the placement nearest the transcript's 3' end. VCF-style (leftmost placement, unchanged base first): chr5-112843538-ACCTGCTGTTT-A. GRCh37 (hg19) VCF-style: chr5-112179235-ACCTGCTGTTT-A.
Other names: c.7946_7955del, p.Pro2649fs (NM_001127510.3, NM_001354895.2); c.7892_7901del, p.Pro2631fs (NM_001127511.3); c.8000_8009del, p.Pro2667fs (NM_001354896.2); c.7976_7985del, p.Pro2659fs (NM_001354897.2); c.7871_7880del, p.Pro2624fs (NM_001354898.2); c.7862_7871del, p.Pro2621fs (NM_001354899.2); c.7823_7832del, p.Pro2608fs (NM_001354900.2); c.7769_7778del, p.Pro2590fs (NM_001354901.2); and 5 more; short protein forms P2590fs, P2624fs, P2366fs, P2548fs, P2558fs, P2621fs, P2649fs, P2659fs.
Identifiers: ClinVar variation 545875 (VCV000545875.2), dbSNP rs1554088780, ClinGen allele CA658822517.
Genomic context (GRCh38, chr5:112,843,538, plus strand): 5'-GACCGTTTCCTCAGGTGCTACAAATGGTGCTGAATCAAAGACTCTAATTTATCAAATGGC[ACCTGCTGTTT>A]CTAAAACAGAGGATGTTTGGGTGAGAATTGAGGACTGTCCCATTAACAATCCTAGATCTG-3'